The following is an entry in ClinVar:

NM_194277.3(FRMD7):c.1634A>G (p.Gln545Arg)

Gene: FRMD7 (FERM domain containing 7; minus strand). Cytogenetic location: Xq26.2.
Variant type: single nucleotide variant.
Coding change: c.1634A>G on transcript NM_194277.3 (MANE Select); coding-DNA position 1634, A replaced by G.
Protein change: p.Gln545Arg; replaces glutamine 545 with arginine.
Molecular consequence: missense variant.
Genome position (GRCh38, 1-based): chrX:132,078,383, T>C on the plus strand (A>G on the coding strand, the complement: FRMD7 is on the minus strand). VCF-style: chrX-132078383-T-C. GRCh37 (hg19) VCF-style: chrX-131212411-T-C.
Other names: c.1589A>G, p.Gln530Arg (NM_001306193.2); short protein forms Q530R, Q545R.
Identifiers: ClinVar variation 1912199 (VCV001912199.5), dbSNP rs1254433483, ClinGen allele CA414678640.

ClinVar aggregate classification (germline): Uncertain significance (1 of 4 stars; one submission).

Allele frequency attached by ClinVar (database versions not stated): gnomAD 0.00001; gnomAD exomes 0.00001; TOPMed 0.00001.
gnomAD v4.1: 16 of 1,209,600 alleles (0.0013%); highest among the groups gnomAD compares: African/African-American, 0.026%; no homozygotes.

Submission:

Labcorp Genetics (formerly Invitae), Labcorp
Classification: Uncertain significance. Last evaluated: 2022-03-24. Review status: criteria provided, single submitter. Criteria: Invitae Variant Classification Sherloc (09022015). Collection method: clinical testing. Allele origin: germline.
Comment: In summary, the available evidence is currently insufficient to determine the role of this variant in disease. Therefore, it has been classified as a Variant of Uncertain Significance. Algorithms developed to predict the effect of missense changes on protein structure and function (SIFT, PolyPhen-2, Align-GVGD) all suggest that this variant is likely to be tolerated. This variant has not been reported in the literature in individuals affected with FRMD7-related conditions. This variant is present in population databases (no rsID available, gnomAD 0.02%). This sequence change replaces glutamine, which is neutral and polar, with arginine, which is basic and polar, at codon 545 of the FRMD7 protein (p.Gln545Arg).